The following is an entry in ClinVar:

ClinVar aggregate classification (germline): Uncertain significance. Review status: criteria provided, multiple submitters, no conflicts (2 of 4 stars). 3 submissions from 3 submitters: Uncertain significance (3). Last evaluated 2025-12-22.

Conditions:
Inborn genetic diseases. Identifiers: MedGen C0950123, MeSH D030342.
Baller-Gerold syndrome (BGS). Also called: CRANIOSYNOSTOSIS WITH RADIAL DEFECTS. Identifiers: Orphanet 1225, MedGen C0265308, MONDO:0009039, OMIM 218600.

Allele frequency attached by ClinVar (database versions not stated): gnomAD 0.00001; TOPMed below 0.00001.

Submissions (3):

Labcorp Genetics (formerly Invitae), Labcorp
Classification: Uncertain significance for Baller-Gerold syndrome. Last evaluated: 2025-12-22. Review status: criteria provided, single submitter. Criteria: Invitae Variant Classification Sherloc (09022015). Collection method: clinical testing. Allele origin: germline.
Comment: This sequence change replaces arginine, which is basic and polar, with lysine, which is basic and polar, at codon 263 of the RECQL4 protein (p.Arg263Lys). This variant is not present in population databases (gnomAD no frequency). This variant has not been reported in the literature in individuals affected with RECQL4-related conditions. ClinVar contains an entry for this variant (Variation ID: 459516). Invitae Evidence Modeling of protein sequence and biophysical properties (such as structural, functional, and spatial information, amino acid conservation, physicochemical variation, residue mobility, and thermodynamic stability) indicates that this missense variant is not expected to disrupt RECQL4 protein function with a negative predictive value of 80%. In summary, the available evidence is currently insufficient to determine the role of this variant in disease. Therefore, it has been classified as a Variant of Uncertain Significance.

Dasa
Classification: Uncertain significance. Last evaluated: 2025-04-16. Review status: criteria provided, single submitter. Criteria: DASA Assertion Criteria. Collection method: clinical testing. Allele origin: germline.
Comment: NM_004260.4(RECQL4):c.788G>A (p.Arg263Lys) is a missense variant that results in the substitution of arginine with lysine. This variant is rare in population databases. The currently available literature and clinical evidence are not sufficient to establish a definitive association between this variant and the reported condition. Therefore, this variant is classified as a variant of uncertain significance.

Ambry Genetics
Classification: Uncertain significance for Inborn genetic diseases. Last evaluated: 2024-12-16. Review status: criteria provided, single submitter. Criteria: Ambry Variant Classification Scheme 2023. Collection method: clinical testing. Allele origin: germline.
Comment: The p.R263K variant (also known as c.788G>A), located in coding exon 5 of the RECQL4 gene, results from a G to A substitution at nucleotide position 788. The arginine at codon 263 is replaced by lysine, an amino acid with highly similar properties. This amino acid position is conserved. In addition, this alteration is predicted to be tolerated by in silico analysis. Based on the available evidence, the clinical significance of this variant remains unclear.

NM_004260.4(RECQL4):c.788G>A (p.Arg263Lys)

Gene: RECQL4 (RecQ like helicase 4; minus strand). Cytogenetic location: 8q24.3.
Variant type: single nucleotide variant.
Coding change: c.788G>A on transcript NM_004260.4 (MANE Select); coding-DNA position 788, G replaced by A.
Protein change: p.Arg263Lys; replaces arginine 263 with lysine.
Molecular consequence: missense variant.
Genome position (GRCh38, 1-based): chr8:144,516,331, C>T on the plus strand (G>A on the coding strand, the complement: RECQL4 is on the minus strand). VCF-style: chr8-144516331-C-T. GRCh37 (hg19) VCF-style: chr8-145741715-C-T.
Other names: short protein forms R263K.
Identifiers: ClinVar variation 459516 (VCV000459516.10), dbSNP rs1477769679, ClinGen allele CA372689233.